The following is an entry in ClinVar:

NC_000015.10:g.84817043C>G

Gene: ALPK3 (alpha kinase 3; plus strand). Cytogenetic location: 15q25.3.
Variant type: single nucleotide variant.
Genome position: GRCh38 VCF-style: chr15-84817043-C-G. GRCh37 (hg19) VCF-style: chr15-85360274-C-G.
Identifiers: ClinVar variation 2113741 (VCV002113741.4), dbSNP rs774883028, ClinGen allele CA393368416.

ClinVar aggregate classification (germline): Uncertain significance (1 of 4 stars; one submission).

Submission:

Labcorp Genetics (formerly Invitae), Labcorp
Classification: Uncertain significance. Last evaluated: 2023-05-14. Review status: criteria provided, single submitter. Criteria: Invitae Variant Classification Sherloc (09022015). Collection method: clinical testing. Allele origin: germline.
Comment: This sequence change replaces threonine, which is neutral and polar, with arginine, which is basic and polar, at codon 66 of the ALPK3 protein (p.Thr66Arg). This variant is not present in population databases (gnomAD no frequency). This variant has not been reported in the literature in individuals affected with ALPK3-related conditions. ClinVar contains an entry for this variant (Variation ID: 2113741). Algorithms developed to predict the effect of missense changes on protein structure and function output the following: SIFT: "Not Available"; PolyPhen-2: "Possibly Damaging"; Align-GVGD: "Not Available". The arginine amino acid residue is found in multiple mammalian species, which suggests that this missense change does not adversely affect protein function. In summary, the available evidence is currently insufficient to determine the role of this variant in disease. Therefore, it has been classified as a Variant of Uncertain Significance.